The following is an entry in ClinVar:

ClinVar aggregate classification (germline): Benign/Likely benign. Review status: criteria provided, multiple submitters, no conflicts (2 of 4 stars). 2 submissions from 2 submitters: Benign (1); Likely benign (1). Last evaluated 2026-05-01.

Conditions:
POLD3-related disorder. Also called: POLD3-related condition.

gnomAD v4.1: 19,415 of 1,607,676 alleles (1.2%); highest among the groups gnomAD compares: Middle Eastern, 1.5%; 150 homozygotes.

Submissions (2):

CeGaT Center for Human Genetics Tuebingen
Classification: Benign. Last evaluated: 2026-05-01. Review status: criteria provided, single submitter. Criteria: CeGaT Center For Human Genetics Tuebingen Variant Classification Criteria Version 2. Collection method: clinical testing. Allele origin: germline. Affected: yes. Observed: 2 variant alleles.
Comment: POLD3: BP4, BP7, BS1, BS2

PreventionGenetics, part of Exact Sciences
Classification: Likely benign for POLD3-related condition. Last evaluated: 2024-12-07. Review status: criteria provided, single submitter. Criteria: ACMG Guidelines, 2015. Collection method: clinical testing. Allele origin: germline.
Comment: This variant is classified as likely benign based on ACMG/AMP sequence variant interpretation guidelines (Richards et al. 2015 PMID: 25741868, with internal and published modifications).

NM_006591.3(POLD3):c.1122C>T (p.Ser374=)

Gene: POLD3 (DNA polymerase delta 3, accessory subunit; plus strand). Cytogenetic location: 11q13.4.
Variant type: single nucleotide variant.
Coding change: c.1122C>T on transcript NM_006591.3 (MANE Select); coding-DNA position 1122, C replaced by T.
Protein change: p.Ser374=; no amino-acid change (serine 374 retained).
Molecular consequence: synonymous variant. On other transcripts: non-coding transcript variant (2).
Genome position (GRCh38, 1-based): chr11:74,636,199, C>T. VCF-style: chr11-74636199-C-T. GRCh37 (hg19) VCF-style: chr11-74347244-C-T.
Other names: c.1122C>T (NM_006591.2); c.1005C>T, p.Ser335= (NM_001363597.2).
Identifiers: ClinVar variation 3904815 (VCV003904815.11).